The following is an entry in ClinVar:

ClinVar aggregate classification (germline): Uncertain significance. Review status: criteria provided, multiple submitters, no conflicts (2 of 4 stars). 4 submissions from 4 submitters: Uncertain significance (4). Last evaluated 2024-07-19.

Conditions:
Primary ciliary dyskinesia. Also called: Ciliary dyskinesia. Identifiers: Orphanet 244, MedGen C0008780, MONDO:0016575, HP:0012265.

Allele frequency attached by ClinVar (database versions not stated): gnomAD exomes 0.00004 and 0.00011; ExAC 0.00017; gnomAD 0.00024 and 0.00025; TOPMed 0.00033; ESP Exome Variant Server 0.00046; 1000 Genomes Project 0.00060; 1000 Genomes Project 30x 0.00062.
gnomAD v4.1: 108 of 1,613,834 alleles (0.0067%); highest among the groups gnomAD compares: African/African-American, 0.11%; no homozygotes.

Submissions (4):

GeneDx
Classification: Uncertain significance. Last evaluated: 2024-07-19. Review status: criteria provided, single submitter. Criteria: GeneDx Variant Classification Process June 2021. Collection method: clinical testing. Allele origin: germline. Affected: yes.
Comment: In silico analysis supports that this missense variant has a deleterious effect on protein structure/function; Has not been previously published as pathogenic or benign to our knowledge

Labcorp Genetics (formerly Invitae), Labcorp
Classification: Uncertain significance. Last evaluated: 2023-12-11. Review status: criteria provided, single submitter. Criteria: Invitae Variant Classification Sherloc (09022015). Collection method: clinical testing. Allele origin: germline.
Comment: This sequence change replaces glutamine, which is neutral and polar, with proline, which is neutral and non-polar, at codon 2390 of the DNAH9 protein (p.Gln2390Pro). This variant is present in population databases (rs139937259, gnomAD 0.1%). This variant has not been reported in the literature in individuals affected with DNAH9-related conditions. ClinVar contains an entry for this variant (Variation ID: 1210273). An algorithm developed to predict the effect of missense changes on protein structure and function (PolyPhen-2) suggests that this variant¬†is likely to be tolerated. In summary, the available evidence is currently insufficient to determine the role of this variant in disease. Therefore, it has been classified as a Variant of Uncertain Significance.

Blueprint Genetics
Classification: Uncertain significance. Last evaluated: 2022-02-25. Review status: criteria provided, single submitter. Criteria: ACMG Guidelines, 2015. Collection method: clinical testing. Allele origin: germline.

UNC Molecular Genetics  Laboratory, University of North Carolina at Chapel Hill
Classification: Uncertain significance for Primary ciliary dyskinesia. Last evaluated: 2021-03-30. Review status: criteria provided, single submitter. Criteria: ACMG Guidelines, 2015. Collection method: clinical testing. Allele origin: germline. Observed: 1 heterozygote.

NM_001372.4(DNAH9):c.7169A>C (p.Gln2390Pro)

Gene: DNAH9 (dynein axonemal heavy chain 9; plus strand). Cytogenetic location: 17p12.
Variant type: single nucleotide variant.
Coding change: c.7169A>C on transcript NM_001372.4 (MANE Select); coding-DNA position 7169, A replaced by C.
Protein change: p.Gln2390Pro; replaces glutamine 2390 with proline.
Molecular consequence: missense variant.
Genome position (GRCh38, 1-based): chr17:11,763,613, A>C. VCF-style: chr17-11763613-A-C. GRCh37 (hg19) VCF-style: chr17-11666930-A-C.
Other names: short protein forms Q2390P.
Identifiers: ClinVar variation 1210273 (VCV001210273.6), dbSNP rs139937259, ClinGen allele CA8396531.